The following is an entry in ClinVar:

NM_001103.4(ACTN2):c.778G>T (p.Glu260Ter)

Gene: ACTN2 (actinin alpha 2; plus strand). Cytogenetic location: 1q43.
Variant type: single nucleotide variant.
Coding change: c.778G>T on transcript NM_001103.4 (MANE Select); coding-DNA position 778, G replaced by T.
Protein change: p.Glu260Ter; replaces glutamic acid 260 with a stop codon.
Molecular consequence: nonsense. On other transcripts: non-coding transcript variant (1), intron variant (1).
Genome position (GRCh38, 1-based): chr1:236,735,715, G>T. VCF-style: chr1-236735715-G-T. GRCh37 (hg19) VCF-style: chr1-236899015-G-T.
Other names: c.43G>T, p.Glu15Ter (NM_001278344.2); c.-83G>T (NM_001412150.1); c.783+1197G>T (NM_001278343.2); short protein forms E15*, E260*.
Identifiers: ClinVar variation 2947863 (VCV002947863.3), dbSNP rs2527587342, ClinGen allele CA345377725.
Genomic context (GRCh38, chr1:236,735,715, plus strand): 5'-CCCGATGAAAGAGCCATCATGACGTACGTCTCTTGCTTCTACCACGCTTTTGCGGGCGCG[G>T]AGCAGGTACTCAACACTTGTCCGTCCGGGCTGTTGTGTTACTCTCTGTTGGTTTTAGTTG-3'

ClinVar aggregate classification (germline): Uncertain significance (1 of 4 stars; one submission).

Conditions:
Primary familial hypertrophic cardiomyopathy (HCM). Identifiers: Orphanet 99739, MedGen C0949658, MeSH D024741, MONDO:0024573. Inheritance: Various modes of inheritance.
Dilated cardiomyopathy 1AA (CMD1AA). Also called: CARDIOMYOPATHY, DILATED, 1AA, WITH OR WITHOUT LEFT VENTRICULAR NONCOMPACTION; CARDIOMYOPATHY, FAMILIAL HYPERTROPHIC, 23, WITH OR WITHOUT LEFT VENTRICULAR NONCOMPACTION; Cardiomyopathy, dilated, 1AA, with or without LVNC. Identifiers: Orphanet 154, MedGen C2677338, MONDO:0012808, OMIM 612158.

Submission:

Labcorp Genetics (formerly Invitae), Labcorp
Classification: Uncertain significance for Primary familial hypertrophic cardiomyopathy; Dilated cardiomyopathy 1AA. Last evaluated: 2023-05-17. Review status: criteria provided, single submitter. Criteria: Invitae Variant Classification Sherloc (09022015). Collection method: clinical testing. Allele origin: germline.
Comment: This variant is not present in population databases (gnomAD no frequency). In summary, the available evidence is currently insufficient to determine the role of this variant in disease. Therefore, it has been classified as a Variant of Uncertain Significance. This sequence change creates a premature translational stop signal (p.Glu260*) in the ACTN2 gene. It is expected to result in an absent or disrupted protein product. However, the current clinical and genetic evidence is not sufficient to establish whether loss-of-function variants in ACTN2 cause disease. This variant has not been reported in the literature in individuals affected with ACTN2-related conditions.